The following is an entry in ClinVar:

NM_000642.3(AGL):c.1423+3A>G

Gene: AGL (amylo-alpha-1,6-glucosidase and 4-alpha-glucanotransferase; plus strand). Cytogenetic location: 1p21.2.
Variant type: single nucleotide variant.
Coding change: c.1423+3A>G on transcript NM_000642.3 (MANE Select); 3 bases into the intron after coding-DNA position 1423, A replaced by G.
Molecular consequence: intron variant.
Genome position (GRCh38, 1-based): chr1:99,876,600, A>G. VCF-style: chr1-99876600-A-G. GRCh37 (hg19) VCF-style: chr1-100342156-A-G.
Other names: p.?; c.1423+3A>G (NM_000643.3, NM_000644.3, NM_001425326.1 and 2 more transcripts); c.1375+3A>G (NM_000646.3); c.1222+3A>G (NM_001425327.1); c.1219+3A>G (NM_001425328.1, NM_001425329.1); c.1045+3A>G (NM_001425332.1).
Identifiers: ClinVar variation 568403 (VCV000568403.18), dbSNP rs766117687, ClinGen allele CA966484.

ClinVar aggregate classification (germline): Conflicting classifications of pathogenicity. Review status: criteria provided, conflicting classifications (1 of 4 stars). 9 submissions from 9 submitters: Uncertain significance (6); Likely benign (2). 1 of the submissions does not count toward it. Last evaluated 2025-04-08.

Conditions:
Inborn genetic diseases. Identifiers: MedGen C0950123, MeSH D030342.
Glycogen storage disease type III (GSD3). Also called: FORBES DISEASE; Cori disease. Identifiers: Orphanet 366, MedGen C0017922, MONDO:0009291, OMIM 232400.

Allele frequency attached by ClinVar (database versions not stated): gnomAD 0.00007 and 0.00008; TOPMed 0.00008; ExAC 0.00011; gnomAD exomes 0.00012 and 0.00026.
gnomAD v4.1: 389 of 1,613,864 alleles (0.024%); highest among the groups gnomAD compares: Non-Finnish European, 0.031%; no homozygotes.

Submissions (9):

ARUP Laboratories, Molecular Genetics and Genomics, ARUP Laboratories
Classification: Uncertain significance. Last evaluated: 2025-04-08. Review status: criteria provided, single submitter. Criteria: ARUP Molecular Germline Variant Investigation Process 2024. Collection method: clinical testing. Allele origin: germline.
Comment: The AGL c.1423+3A>G variant (rs766117687), to our knowledge, is not reported in the medical literature but is reported in ClinVar (Variation ID: 568403). This variant is found in the general population with an overall allele frequency of 0.012% (34/282,544 alleles) in the Genome Aggregation Database (v2.1.1). This is an intronic variant in a weakly conserved nucleotide, but computational analyses (Alamut Visual Plus v.1.12) predict that this variant may impact splicing by weakening the nearby canonical donor splice site. However, given the lack of clinical and functional data, the significance of this variant is uncertain at this time.

Mayo Clinic Laboratories, Mayo Clinic
Classification: Likely benign. Last evaluated: 2024-11-19. Review status: criteria provided, single submitter. Criteria: ACMG Guidelines, 2015. Collection method: clinical testing. Allele origin: germline. Observed: 1 variant allele.
Comment: BP4, BP7

Blueprint Genetics
Classification: Likely benign. Last evaluated: 2024-10-09. Review status: criteria provided, single submitter. Criteria: ACMG Guidelines, 2015. Collection method: clinical testing. Allele origin: germline.

Women's Health and Genetics/Laboratory Corporation of America, LabCorp
Classification: Uncertain significance. Last evaluated: 2024-01-22. Review status: criteria provided, single submitter. Criteria: LabCorp Variant Classification Summary - May 2015. Collection method: clinical testing. Allele origin: germline.

Labcorp Genetics (formerly Invitae), Labcorp
Classification: Uncertain significance for Glycogen storage disease type III. Last evaluated: 2022-08-29. Review status: criteria provided, single submitter. Criteria: Invitae Variant Classification Sherloc (09022015). Collection method: clinical testing. Allele origin: germline.
Comment: This sequence change falls in intron 11 of the AGL gene. It does not directly change the encoded amino acid sequence of the AGL protein. It affects a nucleotide within the consensus splice site. This variant is present in population databases (rs766117687, gnomAD 0.02%). This variant has not been reported in the literature in individuals affected with AGL-related conditions. ClinVar contains an entry for this variant (Variation ID: 568403). Variants that disrupt the consensus splice site are a relatively common cause of aberrant splicing (PMID: 17576681, 9536098). Algorithms developed to predict the effect of sequence changes on RNA splicing suggest that this variant is not likely to affect RNA splicing. In summary, the available evidence is currently insufficient to determine the role of this variant in disease. Therefore, it has been classified as a Variant of Uncertain Significance.

Ambry Genetics
Classification: Uncertain significance for Inborn genetic diseases. Last evaluated: 2022-06-30. Review status: criteria provided, single submitter. Criteria: Ambry Variant Classification Scheme 2023. Collection method: clinical testing. Allele origin: germline.
Comment: The c.1423+3A>G intronic alteration consists of a A to G substitution 3 nucleotides after exon 11 (coding exon 10) of the AGL gene. Based on insufficient or conflicting evidence, the clinical significance of this alteration remains unclear.

Genome-Nilou Lab
Classification: Uncertain significance for Glycogen storage disease type III. Last evaluated: 2021-07-15. Review status: criteria provided, single submitter. Criteria: ACMG Guidelines, 2015. Collection method: clinical testing. Allele origin: germline. Affected: no.

Eurofins Ntd Llc (ga)
Classification: Uncertain significance. Last evaluated: 2018-05-22. Review status: criteria provided, single submitter. Criteria: EGL ClinVar v180209 classification definitions. Collection method: clinical testing. Allele origin: germline. Observed: 1 variant allele, 1 heterozygote.

Natera, Inc.
Classification: Uncertain significance for Glycogen storage disease type III. Last evaluated: 2020-02-06. Review status: no assertion criteria provided. Collection method: clinical testing. Allele origin: germline. Not counted in ClinVar's aggregate classification.

Literature cited by the submitters: PubMed 17576681 (cited by Labcorp Genetics (formerly Invitae), Labcorp); PubMed 9536098 (cited by Labcorp Genetics (formerly Invitae), Labcorp).